The following is an entry in ClinVar:

NM_020937.4(FANCM):c.5024A>G (p.Glu1675Gly)

Gene: FANCM (FA complementation group M; plus strand). Cytogenetic location: 14q21.2.
Variant type: single nucleotide variant.
Coding change: c.5024A>G on transcript NM_020937.4 (MANE Select); coding-DNA position 5024, A replaced by G.
Protein change: p.Glu1675Gly; replaces glutamic acid 1675 with glycine.
Molecular consequence: missense variant.
Genome position (GRCh38, 1-based): chr14:45,189,046, A>G. VCF-style: chr14-45189046-A-G. GRCh37 (hg19) VCF-style: chr14-45658249-A-G.
Other names: c.4946A>G, p.Glu1649Gly (NM_001308133.2); short protein forms E1649G, E1675G.
Identifiers: ClinVar variation 4619434 (VCV004619434.1).

ClinVar aggregate classification (germline): Uncertain significance (1 of 4 stars; one submission).

Conditions:
Inborn genetic diseases. Identifiers: MedGen C0950123, MeSH D030342.

Submission:

Ambry Genetics
Classification: Uncertain significance for Inborn genetic diseases. Last evaluated: 2025-09-18. Review status: criteria provided, single submitter. Criteria: Ambry Variant Classification Scheme 2023. Collection method: clinical testing. Allele origin: germline.
Comment: The p.E1675G variant (also known as c.5024A>G), located in coding exon 20 of the FANCM gene, results from an A to G substitution at nucleotide position 5024. The glutamic acid at codon 1675 is replaced by glycine, an amino acid with similar properties. This amino acid position is conserved. In addition, this alteration is predicted to be tolerated by in silico analysis. Based on the available evidence, the clinical significance of this variant remains unclear.